The following is an entry in ClinVar:

NM_021098.3(CACNA1H):c.1003A>G (p.Asn335Asp)

Gene: CACNA1H (calcium voltage-gated channel subunit alpha1 H; plus strand). Cytogenetic location: 16p13.3.
Variant type: single nucleotide variant.
Coding change: c.1003A>G on transcript NM_021098.3 (MANE Select); coding-DNA position 1003, A replaced by G.
Protein change: p.Asn335Asp; replaces asparagine 335 with aspartic acid.
Molecular consequence: missense variant.
Genome position (GRCh38, 1-based): chr16:1,200,455, A>G. VCF-style: chr16-1200455-A-G. GRCh37 (hg19) VCF-style: chr16-1250455-A-G.
Other names: c.1003A>G, p.Asn335Asp (NM_001005407.2); short protein forms N335D.
Identifiers: ClinVar variation 3753067 (VCV003753067.2).

ClinVar aggregate classification (germline): Uncertain significance (1 of 4 stars; one submission).

Conditions:
Idiopathic generalized epilepsy. Also called: Generalised epilepsy; EIG. Identifiers: MedGen C0270850, MONDO:0005579, OMIM 600669.
Hyperaldosteronism, familial, type IV (HALD4). Also called: FH IV; ALDOSTERONISM, PRIMARY, AND HYPERTENSION. Identifiers: Orphanet 642671, MedGen C4310756, MONDO:0014875, OMIM 617027.

gnomAD v4.1: 2 of 1,611,746 alleles (0.00012%); highest among the groups gnomAD compares: South Asian, 0.0022%; no homozygotes.

Submission:

Labcorp Genetics (formerly Invitae), Labcorp
Classification: Uncertain significance for Idiopathic generalized epilepsy; Hyperaldosteronism, familial, type IV. Last evaluated: 2024-02-21. Review status: criteria provided, single submitter. Criteria: Invitae Variant Classification Sherloc (09022015). Collection method: clinical testing. Allele origin: germline.
Comment: This sequence change replaces asparagine, which is neutral and polar, with aspartic acid, which is acidic and polar, at codon 335 of the CACNA1H protein (p.Asn335Asp). This variant is not present in population databases (gnomAD no frequency). This missense change has been observed in individual(s) with epilepsy (PMID: 34098317). Advanced modeling of protein sequence and biophysical properties (such as structural, functional, and spatial information, amino acid conservation, physicochemical variation, residue mobility, and thermodynamic stability) performed at Invitae indicates that this missense variant is not expected to disrupt CACNA1H protein function with a negative predictive value of 80%. In summary, the available evidence is currently insufficient to determine the role of this variant in disease. Therefore, it has been classified as a Variant of Uncertain Significance.

Literature cited by the submitters: PubMed 34098317.